The following is an entry in ClinVar:

ClinVar aggregate classification (germline): Benign (1 of 4 stars; one submission).

Allele frequency attached by ClinVar (database versions not stated): 1000 Genomes Project 30x 0.00203; 1000 Genomes Project 0.00240; ESP Exome Variant Server 0.00800.
gnomAD v4.1: 14,946 of 1,611,986 alleles (0.93%); highest among the groups gnomAD compares: Middle Eastern, 1.7%; 114 homozygotes.

Submission:

CeGaT Center for Human Genetics Tuebingen
Classification: Benign. Last evaluated: 2026-04-01. Review status: criteria provided, single submitter. Criteria: CeGaT Center For Human Genetics Tuebingen Variant Classification Criteria Version 2. Collection method: clinical testing. Allele origin: germline. Affected: yes. Observed: 25 variant alleles.
Comment: MRPS28: BP4, BS1, BS2

NM_014018.3(MRPS28):c.143G>C (p.Arg48Pro)

Genes: MRPS28 (mitochondrial ribosomal protein S28; minus strand), TPD52-MRPS28 (TPD52-MRPS28 readthrough; minus strand), LOC130000644 (ATAC-STARR-seq lymphoblastoid active region 27552; plus strand). Cytogenetic location: 8q21.13.
Variant type: single nucleotide variant.
Coding change: c.143G>C on transcript NM_014018.3 (MANE Select); coding-DNA position 143, G replaced by C.
Protein change: p.Arg48Pro; replaces arginine 48 with proline.
Molecular consequence: missense variant. On other transcripts: intron variant (1).
Genome position (GRCh38, 1-based): chr8:80,030,106, C>G on the plus strand (G>C on the coding strand, the complement: MRPS28 is on the minus strand). VCF-style: chr8-80030106-C-G. GRCh37 (hg19) VCF-style: chr8-80942341-C-G.
Other names: c.435+12514G>C (NM_001387778.1); short protein forms R48P.
Identifiers: ClinVar variation 2658673 (VCV002658673.24), dbSNP rs78308259, ClinGen allele CA4790067.